The following is an entry in ClinVar:

NM_005120.3(MED12):c.4739C>T (p.Thr1580Ile)

Gene: MED12 (mediator complex subunit 12; plus strand). Cytogenetic location: Xq13.1.
Variant type: single nucleotide variant.
Coding change: c.4739C>T on transcript NM_005120.3 (MANE Select); coding-DNA position 4739, C replaced by T.
Protein change: p.Thr1580Ile; replaces threonine 1580 with isoleucine.
Molecular consequence: missense variant.
Genome position (GRCh38, 1-based): chrX:71,134,724, C>T. VCF-style: chrX-71134724-C-T. GRCh37 (hg19) VCF-style: chrX-70354574-C-T.
Other names: short protein forms T1580I.
Identifiers: ClinVar variation 3767568 (VCV003767568.1).

ClinVar aggregate classification (germline): Uncertain significance (1 of 4 stars; one submission).

Submission:

GeneDx
Classification: Uncertain significance. Last evaluated: 2024-09-06. Review status: criteria provided, single submitter. Criteria: GeneDx Variant Classification Process June 2021. Collection method: clinical testing. Allele origin: germline. Affected: yes.
Comment: Not observed at significant frequency in large population cohorts (gnomAD); In silico analysis supports that this missense variant has a deleterious effect on protein structure/function; Has not been previously published as pathogenic or benign to our knowledge